The following is an entry in ClinVar:

NM_001367868.2(PLIN4):c.927T>G (p.Thr309=)

Gene: PLIN4 (perilipin 4; minus strand). Cytogenetic location: 19p13.3.
Variant type: single nucleotide variant.
Coding change: c.927T>G on transcript NM_001367868.2 (MANE Select); coding-DNA position 927, T replaced by G.
Protein change: p.Thr309=; no amino-acid change (threonine 309 retained).
Molecular consequence: synonymous variant.
Genome position (GRCh38, 1-based): chr19:4,513,033, A>C on the plus strand (T>G on the coding strand, the complement: PLIN4 is on the minus strand). VCF-style: chr19-4513033-A-C. GRCh37 (hg19) VCF-style: chr19-4513045-A-C.
Other names: c.930T>G, p.Thr310= (NM_001393888.1, NM_001393889.1); c.927T>G, p.Thr309= (NM_001393890.1, NM_001393891.1).
Identifiers: ClinVar variation 4084214 (VCV004084214.8).

ClinVar aggregate classification (germline): Likely benign (1 of 4 stars; one submission).

Submission:

CeGaT Center for Human Genetics Tuebingen
Classification: Likely benign. Last evaluated: 2025-09-01. Review status: criteria provided, single submitter. Criteria: CeGaT Center For Human Genetics Tuebingen Variant Classification Criteria Version 2. Collection method: clinical testing. Allele origin: germline. Affected: yes. Observed: 1 variant allele.
Comment: PLIN4: PM2:Supporting, BP4, BP7